The following is an entry in ClinVar:

ClinVar aggregate classification (germline): Benign (0 of 4 stars; one submission).

Conditions:
NFXL1-related disorder. Also called: NFXL1-related condition.

Allele frequency attached by ClinVar (database versions not stated): gnomAD exomes 0.00197; ExAC 0.00680; gnomAD 0.02005; ESP Exome Variant Server 0.02131; TOPMed 0.02230; 1000 Genomes Project 0.02316; 1000 Genomes Project 30x 0.02374.
gnomAD v4.1: 5,951 of 1,561,996 alleles (0.38%); highest among the groups gnomAD compares: African/African-American, 7.2%; 198 homozygotes.

Submission:

PreventionGenetics, part of Exact Sciences
Classification: Benign for NFXL1-related condition. Last evaluated: 2019-02-18. Review status: no assertion criteria provided. Collection method: clinical testing. Allele origin: germline.
Comment: This variant is classified as benign based on ACMG/AMP sequence variant interpretation guidelines (Richards et al. 2015 PMID: 25741868, with internal and published modifications).

NM_001278624.2(NFXL1):c.1330-7C>T

Genes: NFXL1 (nuclear transcription factor, X-box binding like 1; minus strand), LOC101927179 (uncharacterized LOC101927179; plus strand). Cytogenetic location: 4p12.
Variant type: single nucleotide variant.
Coding change: c.1330-7C>T on transcript NM_001278624.2 (MANE Select); 7 bases into the intron before coding-DNA position 1330, C replaced by T.
Molecular consequence: intron variant.
Genome position (GRCh38, 1-based): chr4:47,894,309, G>A on the plus strand (C>T on the coding strand, the complement: NFXL1 is on the minus strand). VCF-style: chr4-47894309-G-A. GRCh37 (hg19) VCF-style: chr4-47896326-G-A.
Other names: c.1330-7C>T (NM_001278623.1, NM_152995.6).
Identifiers: ClinVar variation 3038168 (VCV003038168.2), dbSNP rs10005386, ClinGen allele CA2910607.